The following is an entry in ClinVar:

NM_004415.4(DSP):c.7712G>A (p.Ser2571Asn)

Gene: DSP (desmoplakin; plus strand). Cytogenetic location: 6p24.3.
Variant type: single nucleotide variant.
Coding change: c.7712G>A on transcript NM_004415.4 (MANE Select); coding-DNA position 7712, G replaced by A.
Protein change: p.Ser2571Asn; replaces serine 2571 with asparagine.
Molecular consequence: missense variant.
Genome position (GRCh38, 1-based): chr6:7,584,974, G>A. VCF-style: chr6-7584974-G-A. GRCh37 (hg19) VCF-style: chr6-7585207-G-A.
Other names: c.5915G>A, p.Ser1972Asn (NM_001008844.3); c.6383G>A, p.Ser2128Asn (NM_001319034.2); short protein forms S1972N, S2128N, S2571N.
Identifiers: ClinVar variation 3072820 (VCV003072820.1), dbSNP rs1363182843, ClinGen allele CA362693612.

ClinVar aggregate classification (germline): Uncertain significance (1 of 4 stars; one submission).

Conditions:
Arrhythmogenic cardiomyopathy with wooly hair and keratoderma. Also called: PALMOPLANTAR KERATODERMA WITH LEFT VENTRICULAR CARDIOMYOPATHY AND WOOLLY HAIR; Carvajal syndrome; Dilated cardiomyopathy with woolly hair and keratoderma; Arrhythmogenic cardiomyopathy with woolly hair and keratoderma. Identifiers: Orphanet 65282, MedGen C1854063, MONDO:0011581, OMIM 605676.

Allele frequency attached by ClinVar (database versions not stated): gnomAD exomes 0.00001.
gnomAD v4.1: 9 of 1,614,236 alleles (0.00056%); highest among the groups gnomAD compares: East Asian, 0.0022%; no homozygotes.

Submission:

All of Us Research Program, National Institutes of Health
Classification: Uncertain significance for Arrhythmogenic cardiomyopathy with wooly hair and keratoderma. Last evaluated: 2023-08-15. Review status: criteria provided, single submitter. Criteria: ACMG Guidelines, 2015. Collection method: clinical testing. Allele origin: germline. Inheritance: Autosomal dominant inheritance. Observed: 1 variant allele, 1 heterozygote.
Comment: This missense variant replaces serine with asparagine at codon 2571 of the DSP protein. Computational prediction suggests that this variant may not impact protein structure and function (internally defined REVEL score threshold <= 0.5, PMID: 27666373). To our knowledge, functional studies have not been reported for this variant. This variant has not been reported in individuals affected with DSP-related disorders in the literature. This variant has been identified in 1/251496 chromosomes in the general population by the Genome Aggregation Database (gnomAD). The available evidence is insufficient to determine the role of this variant in disease conclusively. Therefore, this variant is classified as a Variant of Uncertain Significance.

This study involves interpretation of variants in research participants for the purpose of population health screening. Participant phenotype was not available at the time of variant classification. Additional details can be found in publication PMID: 35346344, PMCID: PMC8962531